The following is an entry in ClinVar:

ClinVar aggregate classification (germline): Uncertain significance. Review status: criteria provided, multiple submitters, no conflicts (2 of 4 stars). 4 submissions from 4 submitters: Uncertain significance (3). 1 of the submissions does not count toward it. Last evaluated 2025-11-28.

Conditions:
Myofibrillar myopathy 5. Also called: Filaminopathy (type); FILAMINOPATHY, AUTOSOMAL DOMINANT. Identifiers: Orphanet 171445, MedGen C1836050, MONDO:0012289, OMIM 609524.
Distal myopathy with posterior leg and anterior hand involvement. Also called: WILLIAMS DISTAL MYOPATHY. Identifiers: Orphanet 63273, MedGen C3279722, MONDO:0013550, OMIM 614065.
Hypertrophic cardiomyopathy 26. Also called: Cardiomyopathy, familial hypertrophic, 26. Identifiers: Orphanet 75249, MedGen C4310749, MONDO:0014883, OMIM 617047.
Cardiovascular phenotype. Identifiers: MedGen CN230736.
FLNC-related disorder. Also called: FLNC-related disorders; FLNC-related condition.

Allele frequency attached by ClinVar (database versions not stated): TOPMed 0.00001; gnomAD exomes 0.00005.
gnomAD v4.1: 74 of 1,613,966 alleles (0.0046%); highest among the groups gnomAD compares: Non-Finnish European, 0.0062%; no homozygotes.

Submissions (4):

Labcorp Genetics (formerly Invitae), Labcorp
Classification: Uncertain significance for Distal myopathy with posterior leg and anterior hand involvement; Myofibrillar myopathy 5; Hypertrophic cardiomyopathy 26. Last evaluated: 2025-11-28. Review status: criteria provided, single submitter. Criteria: Invitae Variant Classification Sherloc (09022015). Collection method: clinical testing. Allele origin: germline.
Comment: This sequence change replaces alanine, which is neutral and non-polar, with valine, which is neutral and non-polar, at codon 236 of the FLNC protein (p.Ala236Val). This variant is not present in population databases (gnomAD no frequency). This missense change has been observed in individual(s) with clinical features of FLNC-related conditions (internal data). ClinVar contains an entry for this variant (Variation ID: 965096). Invitae Evidence Modeling of protein sequence and biophysical properties (such as structural, functional, and spatial information, amino acid conservation, physicochemical variation, residue mobility, and thermodynamic stability) has been performed for this missense variant. However, the output from this modeling did not meet the statistical confidence thresholds required to predict the impact of this variant on FLNC protein function. In summary, the available evidence is currently insufficient to determine the role of this variant in disease. Therefore, it has been classified as a Variant of Uncertain Significance.

Ambry Genetics
Classification: Uncertain significance for Cardiovascular phenotype. Last evaluated: 2024-11-27. Review status: criteria provided, single submitter. Criteria: Ambry Variant Classification Scheme 2023. Collection method: clinical testing. Allele origin: germline.
Comment: The p.A236V variant (also known as c.707C>T), located in coding exon 4 of the FLNC gene, results from a C to T substitution at nucleotide position 707. The alanine at codon 236 is replaced by valine, an amino acid with similar properties. This amino acid position is conserved. In addition, the in silico prediction for this alteration is inconclusive. Since supporting evidence is limited at this time, the clinical significance of this alteration remains unclear.

Blueprint Genetics
Classification: Uncertain significance. Last evaluated: 2022-12-01. Review status: criteria provided, single submitter. Criteria: ACMG Guidelines, 2015. Collection method: clinical testing. Allele origin: germline.

PreventionGenetics, part of Exact Sciences
Classification: Uncertain significance for FLNC-related condition. Last evaluated: 2023-11-08. Review status: no assertion criteria provided. Collection method: clinical testing. Allele origin: germline. Not counted in ClinVar's aggregate classification.
Comment: The FLNC c.707C>T variant is predicted to result in the amino acid substitution p.Ala236Val. To our knowledge, this variant has not been reported in the literature or in a large population database, indicating this variant is rare. At this time, the clinical significance of this variant is uncertain due to the absence of conclusive functional and genetic evidence.

NM_001458.5(FLNC):c.707C>T (p.Ala236Val)

Gene: FLNC (filamin C; plus strand). Cytogenetic location: 7q32.1.
Variant type: single nucleotide variant.
Coding change: c.707C>T on transcript NM_001458.5 (MANE Select); coding-DNA position 707, C replaced by T.
Protein change: p.Ala236Val; replaces alanine 236 with valine.
Molecular consequence: missense variant.
Genome position (GRCh38, 1-based): chr7:128,837,405, C>T. VCF-style: chr7-128837405-C-T. GRCh37 (hg19) VCF-style: chr7-128477459-C-T.
Other names: c.707C>T, p.Ala236Val (NM_001127487.2); short protein forms A236V.
Identifiers: ClinVar variation 965096 (VCV000965096.12), dbSNP rs771789906, ClinGen allele CA166214283.